The following is an entry in ClinVar:

NM_000287.4(PEX6):c.704C>A (p.Ser235Ter)

Gene: PEX6 (peroxisomal biogenesis factor 6; minus strand). Cytogenetic location: 6p21.1.
Variant type: single nucleotide variant.
Coding change: c.704C>A on transcript NM_000287.4 (MANE Select); coding-DNA position 704, C replaced by A.
Protein change: p.Ser235Ter; replaces serine 235 with a stop codon.
Molecular consequence: nonsense. On other transcripts: non-coding transcript variant (1), intron variant (1).
Genome position (GRCh38, 1-based): chr6:42,978,447, G>T on the plus strand (C>A on the coding strand, the complement: PEX6 is on the minus strand). VCF-style: chr6-42978447-G-T. GRCh37 (hg19) VCF-style: chr6-42946185-G-T.
Other names: c.618+86C>A (NM_001316313.2); short protein forms S235*.
Identifiers: ClinVar variation 3654263 (VCV003654263.2).

ClinVar aggregate classification (germline): Pathogenic (1 of 4 stars; one submission).

Conditions:
Peroxisome biogenesis disorder. Identifiers: Orphanet 79189, MedGen C1832200, MONDO:0019234. Disease mechanism: loss of function.

Submission:

Labcorp Genetics (formerly Invitae), Labcorp
Classification: Pathogenic for Peroxisome biogenesis disorder. Last evaluated: 2024-04-02. Review status: criteria provided, single submitter. Criteria: Invitae Variant Classification Sherloc (09022015). Collection method: clinical testing. Allele origin: germline.
Comment: This sequence change creates a premature translational stop signal (p.Ser235*) in the PEX6 gene. It is expected to result in an absent or disrupted protein product. Loss-of-function variants in PEX6 are known to be pathogenic (PMID: 10408779, 21031596, 31831025). This variant is not present in population databases (gnomAD no frequency). This variant has not been reported in the literature in individuals affected with PEX6-related conditions. For these reasons, this variant has been classified as Pathogenic.

Literature cited by the submitters: PubMed 10408779; PubMed 21031596; PubMed 31831025.